The following is an entry in ClinVar:

ClinVar aggregate classification (germline): Uncertain significance (1 of 4 stars; one submission).

gnomAD v4.1: 1 of 1,608,848 alleles (0.000062%); highest among the groups gnomAD compares: African/African-American, 0.0013%; no homozygotes.

Submission:

Labcorp Genetics (formerly Invitae), Labcorp
Classification: Uncertain significance. Last evaluated: 2023-07-14. Review status: criteria provided, single submitter. Criteria: Invitae Variant Classification Sherloc (09022015). Collection method: clinical testing. Allele origin: germline.
Comment: This sequence change replaces histidine, which is basic and polar, with glutamine, which is neutral and polar, at codon 340 of the PPP2R5D protein (p.His340Gln). This variant is present in population databases (no rsID available, gnomAD 0.01%). This variant has not been reported in the literature in individuals affected with PPP2R5D-related conditions. An algorithm developed to predict the effect of missense changes on protein structure and function (PolyPhen-2) suggests that this variant is likely to be disruptive. In summary, the available evidence is currently insufficient to determine the role of this variant in disease. Therefore, it has been classified as a Variant of Uncertain Significance.

NM_006245.4(PPP2R5D):c.1020C>G (p.His340Gln)

Gene: PPP2R5D (protein phosphatase 2 regulatory subunit B'delta; plus strand). Cytogenetic location: 6p21.1.
Variant type: single nucleotide variant.
Coding change: c.1020C>G on transcript NM_006245.4 (MANE Select); coding-DNA position 1020, C replaced by G.
Protein change: p.His340Gln; replaces histidine 340 with glutamine.
Molecular consequence: missense variant.
Genome position (GRCh38, 1-based): chr6:43,008,469, C>G. VCF-style: chr6-43008469-C-G. GRCh37 (hg19) VCF-style: chr6-42976207-C-G.
Other names: c.567C>G, p.His189Gln (NM_001270476.2); c.924C>G, p.His308Gln (NM_180976.3); c.702C>G, p.His234Gln (NM_180977.3); short protein forms H189Q, H308Q, H340Q, H234Q.
Identifiers: ClinVar variation 2987961 (VCV002987961.3), dbSNP rs1373169420, ClinGen allele CA364192316.